The following is an entry in ClinVar:

ClinVar aggregate classification (germline): Uncertain significance (1 of 4 stars; one submission).

Conditions:
Camptomelic dysplasia (CMPD). Also called: Campomelic Dysplasia; CMPD1/SRA1. Identifiers: Orphanet 140, MedGen C1861922, MONDO:0007251, OMIM 114290.

Submission:

Labcorp Genetics (formerly Invitae), Labcorp
Classification: Uncertain significance for Camptomelic dysplasia. Last evaluated: 2025-05-22. Review status: criteria provided, single submitter. Criteria: Invitae Variant Classification Sherloc (09022015). Collection method: clinical testing. Allele origin: germline.
Comment: This sequence change replaces proline, which is neutral and non-polar, with serine, which is neutral and polar, at codon 360 of the SOX9 protein (p.Pro360Ser). This variant is not present in population databases (gnomAD no frequency). This variant has not been reported in the literature in individuals affected with SOX9-related conditions. Invitae Evidence Modeling of protein sequence and biophysical properties (such as structural, functional, and spatial information, amino acid conservation, physicochemical variation, residue mobility, and thermodynamic stability) indicates that this missense variant is not expected to disrupt SOX9 protein function with a negative predictive value of 95%. In summary, the available evidence is currently insufficient to determine the role of this variant in disease. Therefore, it has been classified as a Variant of Uncertain Significance.

NM_000346.4(SOX9):c.1078C>T (p.Pro360Ser)

Gene: SOX9 (SRY-box transcription factor 9; plus strand). Cytogenetic location: 17q24.3.
Variant type: single nucleotide variant.
Coding change: c.1078C>T on transcript NM_000346.4 (MANE Select); coding-DNA position 1078, C replaced by T.
Protein change: p.Pro360Ser; replaces proline 360 with serine.
Molecular consequence: missense variant.
Genome position (GRCh38, 1-based): chr17:72,123,935, C>T. VCF-style: chr17-72123935-C-T. GRCh37 (hg19) VCF-style: chr17-70120076-C-T.
Other names: short protein forms P360S.
Identifiers: ClinVar variation 4696276 (VCV004696276.1).